The following is an entry in ClinVar:

ClinVar aggregate classification (germline): Uncertain significance (1 of 4 stars; one submission).

Conditions:
Catecholaminergic polymorphic ventricular tachycardia (CVPT). Also called: Catecholamine-induced polymorphic ventricular tachycardia. Identifiers: Orphanet 3286, MedGen C5574922, MONDO:0017990.

Submission:

All of Us Research Program, National Institutes of Health
Classification: Uncertain significance for Catecholaminergic polymorphic ventricular tachycardia. Last evaluated: 2023-08-28. Review status: criteria provided, single submitter. Criteria: ACMG Guidelines, 2015. Collection method: clinical testing. Allele origin: germline. Inheritance: Autosomal dominant inheritance. Observed: 1 variant allele, 1 heterozygote.
Comment: This missense variant replaces threonine with isoleucine at codon 301 of the RYR2 protein. Computational prediction suggests that this variant may have deleterious impact on protein structure and function (internally defined REVEL score threshold >= 0.7, PMID: 27666373). To our knowledge, functional studies have not been reported for this variant. This variant has not been reported in individuals affected with RYR2-related disorders in the literature. This variant has not been identified in the general population by the Genome Aggregation Database (gnomAD). The available evidence is insufficient to determine the role of this variant in disease conclusively. Therefore, this variant is classified as a Variant of Uncertain Significance.

This study involves interpretation of variants in research participants for the purpose of population health screening. Participant phenotype was not available at the time of variant classification. Additional details can be found in publication PMID: 35346344, PMCID: PMC8962531

NM_001035.3(RYR2):c.902C>T (p.Thr301Ile)

Gene: RYR2 (ryanodine receptor 2; plus strand). Cytogenetic location: 1q43.
Variant type: single nucleotide variant.
Coding change: c.902C>T on transcript NM_001035.3 (MANE Select); coding-DNA position 902, C replaced by T.
Protein change: p.Thr301Ile; replaces threonine 301 with isoleucine.
Molecular consequence: missense variant.
Genome position (GRCh38, 1-based): chr1:237,423,145, C>T. VCF-style: chr1-237423145-C-T. GRCh37 (hg19) VCF-style: chr1-237586445-C-T.
Other names: short protein forms T301I.
Identifiers: ClinVar variation 3073245 (VCV003073245.1), dbSNP rs2528090119, ClinGen allele CA345385292.